The following is an entry in ClinVar:

ClinVar aggregate classification (germline): Uncertain significance. Review status: criteria provided, multiple submitters, no conflicts (2 of 4 stars). 2 submissions from 2 submitters: Uncertain significance (2). Last evaluated 2023-11-14.

Conditions:
Inborn genetic diseases. Identifiers: MedGen C0950123, MeSH D030342.

Allele frequency attached by ClinVar (database versions not stated): TOPMed below 0.00001; ExAC 0.00001.

Submissions (2):

Ambry Genetics
Classification: Uncertain significance for Inborn genetic diseases. Last evaluated: 2023-11-14. Review status: criteria provided, single submitter. Criteria: Ambry Variant Classification Scheme 2023. Collection method: clinical testing. Allele origin: germline.

Labcorp Genetics (formerly Invitae), Labcorp
Classification: Uncertain significance. Last evaluated: 2022-10-13. Review status: criteria provided, single submitter. Criteria: Invitae Variant Classification Sherloc (09022015). Collection method: clinical testing. Allele origin: germline.
Comment: This sequence change replaces arginine, which is basic and polar, with glutamine, which is neutral and polar, at codon 413 of the HPS6 protein (p.Arg413Gln). This variant is present in population databases (rs774845218, gnomAD 0.003%). This variant has not been reported in the literature in individuals affected with HPS6-related conditions. Advanced modeling of protein sequence and biophysical properties (such as structural, functional, and spatial information, amino acid conservation, physicochemical variation, residue mobility, and thermodynamic stability) performed at Invitae indicates that this missense variant is not expected to disrupt HPS6 protein function. In summary, the available evidence is currently insufficient to determine the role of this variant in disease. Therefore, it has been classified as a Variant of Uncertain Significance.

NM_024747.6(HPS6):c.1238G>A (p.Arg413Gln)

Gene: HPS6 (HPS6 biogenesis of lysosomal organelles complex 2 subunit 3; plus strand). Cytogenetic location: 10q24.32.
Variant type: single nucleotide variant.
Coding change: c.1238G>A on transcript NM_024747.6 (MANE Select); coding-DNA position 1238, G replaced by A.
Protein change: p.Arg413Gln; replaces arginine 413 with glutamine.
Molecular consequence: missense variant.
Genome position (GRCh38, 1-based): chr10:102,066,712, G>A. VCF-style: chr10-102066712-G-A. GRCh37 (hg19) VCF-style: chr10-103826469-G-A.
Other names: short protein forms R413Q.
Identifiers: ClinVar variation 2192812 (VCV002192812.2), dbSNP rs774845218, ClinGen allele CA5659946.